The following is an entry in ClinVar:

ClinVar aggregate classification (germline): Uncertain significance. Review status: criteria provided, multiple submitters, no conflicts (2 of 4 stars). 2 submissions from 2 submitters: Uncertain significance (2). Last evaluated 2020-06-19.

Conditions:
Developmental and epileptic encephalopathy, 9 (DEE9). Also called: EPILEPSY, FEMALE-RESTRICTED, WITH MENTAL RETARDATION; Early infantile epileptic encephalopathy 9; JUBERG-HELLMAN SYNDROME; PCDH19-Related X-Linked Female-Limited Epilepsy with Mental Retardation. Identifiers: Orphanet 101039, Orphanet 2076, MedGen C1848137, MONDO:0010246, OMIM 300088. Disease mechanism: loss of function.

Submissions (2):

Labcorp Genetics (formerly Invitae), Labcorp
Classification: Uncertain significance for Developmental and epileptic encephalopathy, 9. Last evaluated: 2020-06-19. Review status: criteria provided, single submitter. Criteria: Invitae Variant Classification Sherloc (09022015). Collection method: clinical testing. Allele origin: germline.
Comment: This variant is not present in population databases (ExAC no frequency). In summary, the available evidence is currently insufficient to determine the role of this variant in disease. Therefore, it has been classified as a Variant of Uncertain Significance. Algorithms developed to predict the effect of missense changes on protein structure and function output the following: SIFT: "Tolerated"; PolyPhen-2: "Benign"; Align-GVGD: "Class C0". The asparagine amino acid residue is found in multiple mammalian species, suggesting that this missense change does not adversely affect protein function. These predictions have not been confirmed by published functional studies and their clinical significance is uncertain. This variant has been observed in individual(s) with clinical features of early infantile epileptic encephalopathy (PMID: 29377098). ClinVar contains an entry for this variant (Variation ID: 206325). This sequence change replaces serine with asparagine at codon 335 of the PCDH19 protein (p.Ser335Asn). The serine residue is highly conserved and there is a small physicochemical difference between serine and asparagine.

GeneDx
Classification: Uncertain significance. Last evaluated: 2014-10-20. Review status: criteria provided, single submitter. Criteria: GeneDx Variant Classification (06012015). Collection method: clinical testing. Allele origin: germline. Affected: yes.
Comment: This variant is denoted p.Ser335Asn (S335N) AGC>AAC: c.1004 G>A in exon 1 of the PCDH19 gene (NM_001105243.1). The S335N variant has not been published as a mutation, nor has it been reported as a benign polymorphism to our knowledge. It was not observed in approximately 6,500 individuals of European and African American ancestry in the NHLBI Exome Sequencing Project, indicating it is not a common benign variant in these populations. The S335N variant is a conservative amino acid substitution, which is not likely to impact secondary protein structure as these residues share similar properties. This substitution occurs at a position that is not conserved across species, and Asparagine is observed at this position in multiple species in evolution. However, multiple missense mutations in nearby residues have been reported in association with PCDH19-related disorders, supporting the functional importance of this region of the protein. In silico analysis is inconsistent in its predictions as to whether or not the variant is damaging to the protein structure/function. Therefore, based on the currently available information, it is unclear whether this variant is a pathogenic mutation or a rare benign variant. The variant is found in EPILEPSY panel(s).

Literature cited by the submitters: PubMed 29377098 (cited by Labcorp Genetics (formerly Invitae), Labcorp).

NM_001184880.2(PCDH19):c.1004G>A (p.Ser335Asn)

Gene: PCDH19 (protocadherin 19; minus strand). Cytogenetic location: Xq22.1.
Variant type: single nucleotide variant.
Coding change: c.1004G>A on transcript NM_001184880.2 (MANE Select); coding-DNA position 1004, G replaced by A.
Protein change: p.Ser335Asn; replaces serine 335 with asparagine.
Molecular consequence: missense variant.
Genome position (GRCh38, 1-based): chrX:100,407,594, C>T on the plus strand (G>A on the coding strand, the complement: PCDH19 is on the minus strand). VCF-style: chrX-100407594-C-T. GRCh37 (hg19) VCF-style: chrX-99662592-C-T.
Other names: p.S335N:AGC>AAC; c.1004G>A, p.Ser335Asn (NM_001105243.2, NM_020766.3); short protein forms S335N.
Identifiers: ClinVar variation 206325 (VCV000206325.12), dbSNP rs796052810, ClinGen allele CA316330.
Genomic context (GRCh38, chrX:100,407,594, plus strand): 5'-AGCTCACTGTTGACTGACAGCAGGTTGATGACCGGCGGATTGTCATTGGTGTCCAGCACG[C>T]TGACGGTGACCTTGCAGTGTGCCGGGATGGAATTGGGCCCCAAGTCCTTAGCCTGCACGT-3'
Protein context (NP_001171809.1, residues 325-345): SIPAHCKVTV[Ser335Asn]VLDTNDNPPV